The following is an entry in ClinVar:

NM_000110.4(DPYD):c.556T>G (p.Tyr186Asp)

Gene: DPYD (dihydropyrimidine dehydrogenase; minus strand). Cytogenetic location: 1p21.3.
Variant type: single nucleotide variant.
Coding change: c.556T>G on transcript NM_000110.4 (MANE Select); coding-DNA position 556, T replaced by G.
Protein change: p.Tyr186Asp; replaces tyrosine 186 with aspartic acid.
Molecular consequence: missense variant.
Genome position (GRCh38, 1-based): chr1:97,699,475, A>C on the plus strand (T>G on the coding strand, the complement: DPYD is on the minus strand). VCF-style: chr1-97699475-A-C. GRCh37 (hg19) VCF-style: chr1-98165031-A-C.
Other names: short protein forms Y186D.
Identifiers: ClinVar variation 3371628 (VCV003371628.1).

ClinVar aggregate classification (germline): Uncertain significance (1 of 4 stars; one submission).

gnomAD v4.1: 9 of 1,613,654 alleles (0.00056%); highest among the groups gnomAD compares: African/African-American, 0.011%; no homozygotes.

Submission:

GeneDx
Classification: Uncertain significance. Last evaluated: 2024-04-02. Review status: criteria provided, single submitter. Criteria: GeneDx Variant Classification Process June 2021. Collection method: clinical testing. Allele origin: germline. Affected: yes.
Comment: Not observed at significant frequency in large population cohorts (gnomAD); In silico analysis supports that this missense variant has a deleterious effect on protein structure/function; Has not been previously published as pathogenic or benign to our knowledge